The following is an entry in ClinVar:

NM_000052.7(ATP7A):c.907C>T (p.Gln303Ter)

Gene: ATP7A (ATPase copper transporting alpha; plus strand). Cytogenetic location: Xq21.1.
Variant type: single nucleotide variant.
Coding change: c.907C>T on transcript NM_000052.7 (MANE Select); coding-DNA position 907, C replaced by T.
Protein change: p.Gln303Ter; replaces glutamine 303 with a stop codon.
Molecular consequence: nonsense.
Genome position (GRCh38, 1-based): chrX:77,989,529, C>T. VCF-style: chrX-77989529-C-T. GRCh37 (hg19) VCF-style: chrX-77245025-C-T.
Other names: c.907C>T, p.Gln303Ter (NM_001282224.2); short protein forms Q303*.
Identifiers: ClinVar variation 3381219 (VCV003381219.2).
Genomic context (GRCh38, chrX:77,989,529, plus strand): 5'-ATTGATGGCATGCATTGTAAATCATGTGTGTCAAATATTGAAAGTACTTTATCTGCACTC[C>T]AATATGTAAGCAGCATAGTAGTTTCTTTAGAGAATAGGTCTGCCATTGTGAAGTATAATG-3'

ClinVar aggregate classification (germline): Likely pathogenic (1 of 4 stars; one submission).

Conditions:
Menkes kinky-hair syndrome (MNK). Also called: Classic Menkes Disease; Copper transport disease; Menkes Disease. Identifiers: Orphanet 565, MedGen C0022716, MONDO:0010651, OMIM 309400.

Submission:

Servicio de Genética Del Instituto Nacional de Salud Del Niño, Ministerio de Salud
Classification: Likely pathogenic for Menkes kinky-hair syndrome. Last evaluated: 2024-11-18. Review status: criteria provided, single submitter. Criteria: ACMG Guidelines, 2015. Collection method: clinical testing. Allele origin: germline. Inheritance: X-linked recessive inheritance. Affected: yes.
Comment: The variant NM_000052.7:c.907C>T (p.Gln303)* introduces a premature stop codon at codon 303, likely leading to a truncated protein or nonsense-mediated decay (NMD). According to ACMG/AMP guidelines, this variant meets the criteria for PVS1 and PM2, supporting its classification as likely pathogenic.